The following is an entry in ClinVar:

NM_016222.4(DDX41):c.746G>A (p.Arg249Lys)

Gene: DDX41 (DEAD-box helicase 41; minus strand). Cytogenetic location: 5q35.3.
Variant type: single nucleotide variant.
Coding change: c.746G>A on transcript NM_016222.4 (MANE Select); coding-DNA position 746, G replaced by A.
Protein change: p.Arg249Lys; replaces arginine 249 with lysine.
Molecular consequence: missense variant.
Genome position (GRCh38, 1-based): chr5:177,514,968, C>T on the plus strand (G>A on the coding strand, the complement: DDX41 is on the minus strand). VCF-style: chr5-177514968-C-T. GRCh37 (hg19) VCF-style: chr5-176941969-C-T.
Other names: c.368G>A, p.Arg123Lys (NM_001321732.2, NM_001321830.2); short protein forms R249K, R123K.
Identifiers: ClinVar variation 3500501 (VCV003500501.3).

ClinVar aggregate classification (germline): Conflicting classifications of pathogenicity. Review status: criteria provided, conflicting classifications (1 of 4 stars). 2 submissions from 2 submitters: Uncertain significance (1); Likely benign (1). Last evaluated 2025-10-29.

Conditions:
Inborn genetic diseases. Identifiers: MedGen C0950123, MeSH D030342.

gnomAD v4.1: 15 of 1,613,478 alleles (0.00093%); highest among the groups gnomAD compares: East Asian, 0.022%; no homozygotes.

Submissions (2):

Labcorp Genetics (formerly Invitae), Labcorp
Classification: Uncertain significance. Last evaluated: 2025-10-29. Review status: criteria provided, single submitter. Criteria: Invitae Variant Classification Sherloc (09022015). Collection method: clinical testing. Allele origin: germline.
Comment: This sequence change replaces arginine, which is basic and polar, with lysine, which is basic and polar, at codon 249 of the DDX41 protein (p.Arg249Lys). This variant is present in population databases (rs749923024, gnomAD 0.04%). This variant has not been reported in the literature in individuals affected with DDX41-related conditions. ClinVar contains an entry for this variant (Variation ID: 3500501). An algorithm developed to predict the effect of missense changes on protein structure and function (PolyPhen-2) suggests that this variant is likely to be tolerated. In summary, the available evidence is currently insufficient to determine the role of this variant in disease. Therefore, it has been classified as a Variant of Uncertain Significance.

Ambry Genetics
Classification: Likely benign for Inborn genetic diseases. Last evaluated: 2024-10-17. Review status: criteria provided, single submitter. Criteria: Ambry Variant Classification Scheme 2023. Collection method: clinical testing. Allele origin: germline.